The following is an entry in ClinVar:

NM_000038.6(APC):c.2777_2778dup (p.Ala927fs)

Gene: APC (APC regulator of Wnt signaling pathway; plus strand). Cytogenetic location: 5q22.2.
Variant type: Microsatellite.
Coding change: c.2777_2778dup on transcript NM_000038.6 (MANE Select); coding-DNA positions 2777 to 2778, 2 bases duplicated (CT; older notation c.2777_2778dupCT).
Protein change: p.Ala927fs; shifts the reading frame from alanine 927.
Molecular consequence: frameshift variant.
Genome position (GRCh38, 1-based): chr5:112,838,371-112,838,372, CT duplicated; duplicating any 2 consecutive bases within chr5:112,838,369-112,838,372 gives the same sequence; the c. name uses the placement nearest the transcript's 3' end. VCF-style (leftmost placement, unchanged base first): chr5-112838368-G-GCT. GRCh37 (hg19) VCF-style: chr5-112174065-G-GCT.
Other names: c.2777_2778dup, p.Ala927fs (NM_001127510.3, NM_001354895.2); c.2723_2724dup, p.Ala909fs (NM_001127511.3); c.2831_2832dup, p.Ala945fs (NM_001354896.2); c.2807_2808dup, p.Ala937fs (NM_001354897.2); c.2702_2703dup, p.Ala902fs (NM_001354898.2); c.2693_2694dup, p.Ala899fs (NM_001354899.2); c.2654_2655dup, p.Ala886fs (NM_001354900.2); c.2600_2601dup, p.Ala868fs (NM_001354901.2); and 16 more; short protein forms A801fs, A909fs, A767fs, A868fs, A902fs, A826fs, A836fs, A886fs.
Identifiers: ClinVar variation 1795857 (VCV001795857.3), dbSNP rs2533448516, ClinGen allele CA2580612766.
Genomic context (GRCh38, chr5:112,838,368, plus strand): 5'-GTTCTGGGTCTACCACTGAATTACATTGTGTGACAGATGAGAGAAATGCACTTAGAAGAA[G>GCT]CTCTGCTGCCCATACACATTCAAACACTTACAATTTCACTAAGTCGGAAAATTCAAATAG-3'

ClinVar aggregate classification (germline): Pathogenic. Review status: criteria provided, multiple submitters, no conflicts (2 of 4 stars). 2 submissions from 2 submitters: Pathogenic (2). Last evaluated 2023-05-05.

Conditions:
Hereditary cancer-predisposing syndrome. Also called: Tumor predisposition; Hereditary Cancer Syndrome; Neoplastic Syndromes, Hereditary; Hereditary neoplastic syndrome. Identifiers: Orphanet 140162, MedGen C0027672, MeSH D009386, MONDO:0015356.
Familial adenomatous polyposis 1 (FAP1). Also called: FAMILIAL ADENOMATOUS POLYPOSIS 1, ATTENUATED; POLYPOSIS, ADENOMATOUS INTESTINAL. Identifiers: MedGen C2713442, MONDO:0021056, OMIM 175100. Disease mechanism: loss of function.

Submissions (2):

Myriad Genetics, Inc.
Classification: Pathogenic for Familial adenomatous polyposis 1. Last evaluated: 2023-05-05. Review status: criteria provided, single submitter. Criteria: Myriad Autosomal Dominant, Autosomal Recessive and X-Linked Classification Criteria (2023). Collection method: clinical testing. Allele origin: unknown.
Comment: This variant is considered pathogenic. This variant creates a frameshift predicted to result in premature protein truncation.

Ambry Genetics
Classification: Pathogenic for Hereditary cancer-predisposing syndrome. Last evaluated: 2020-09-09. Review status: criteria provided, single submitter. Criteria: Ambry Variant Classification Scheme 2023. Collection method: clinical testing. Allele origin: germline.
Comment: The c.2777_2778dupCT pathogenic mutation, located in coding exon 15 of the APC gene, results from a duplication of CT at nucleotide position 2777, causing a translational frameshift with a predicted alternate stop codon (p.A927Lfs*29). This alteration is expected to result in loss of function by premature protein truncation or nonsense-mediated mRNA decay. As such, this alteration is interpreted as a disease-causing mutation.